The following is an entry in ClinVar:

ClinVar aggregate classification (germline): Uncertain significance. Review status: criteria provided, multiple submitters, no conflicts (2 of 4 stars). 2 submissions from 2 submitters: Uncertain significance (2). Last evaluated 2025-09-15.

Allele frequency attached by ClinVar (database versions not stated): gnomAD exomes 0.00033 and 0.00020; ESP Exome Variant Server 0.00055; gnomAD 0.00074 and 0.00079; TOPMed 0.00081; ExAC 0.00064; 1000 Genomes Project 0.00020; 1000 Genomes Project 30x 0.00047.
gnomAD v4.1: 403 of 1,511,236 alleles (0.027%); highest among the groups gnomAD compares: African/African-American, 0.16%; no homozygotes.

Submissions (2):

Labcorp Genetics (formerly Invitae), Labcorp
Classification: Uncertain significance. Last evaluated: 2025-09-15. Review status: criteria provided, single submitter. Criteria: Invitae Variant Classification Sherloc (09022015). Collection method: clinical testing. Allele origin: germline.
Comment: This sequence change replaces arginine, which is basic and polar, with glutamine, which is neutral and polar, at codon 404 of the EXOC3L2 protein (p.Arg404Gln). This variant is present in population databases (rs199587359, gnomAD 0.2%). This variant has not been reported in the literature in individuals affected with EXOC3L2-related conditions. ClinVar contains an entry for this variant (Variation ID: 1503657). Experimental studies and prediction algorithms are not available or were not evaluated, and the functional significance of this variant is currently unknown. In summary, the available evidence is currently insufficient to determine the role of this variant in disease. Therefore, it has been classified as a Variant of Uncertain Significance.

Ambry Genetics
Classification: Uncertain significance. Last evaluated: 2024-10-23. Review status: criteria provided, single submitter. Criteria: Ambry Variant Classification Scheme 2023. Collection method: clinical testing. Allele origin: germline.

NM_001382422.1(EXOC3L2):c.2390G>A (p.Arg797Gln)

Genes: BLOC1S3 (biogenesis of lysosomal organelles complex 1 subunit 3; plus strand), EXOC3L2 (exocyst complex component 3 like 2; minus strand). Cytogenetic location: 19q13.32.
Variant type: single nucleotide variant.
Coding change: c.2390G>A on transcript NM_001382422.1 (MANE Select); coding-DNA position 2390, G replaced by A.
Protein change: p.Arg797Gln; replaces arginine 797 with glutamine.
Molecular consequence: missense variant.
Genome position (GRCh38, 1-based): chr19:45,213,088, C>T on the plus strand (G>A on the coding strand, the complement: EXOC3L2 is on the minus strand). VCF-style: chr19-45213088-C-T. GRCh37 (hg19) VCF-style: chr19-45716346-C-T.
Other names: NM_138568.3:c.1211G>A; short protein forms R797Q.
Identifiers: ClinVar variation 1503657 (VCV001503657.8), dbSNP rs199587359, ClinGen allele CA9510327.